The following is an entry in ClinVar:

NM_000789.4(ACE):c.793C>T (p.Arg265Ter)

Gene: ACE (angiotensin I converting enzyme; plus strand). Cytogenetic location: 17q23.3.
Variant type: single nucleotide variant.
Coding change: c.793C>T on transcript NM_000789.4 (MANE Select); coding-DNA position 793, C replaced by T.
Protein change: p.Arg265Ter; replaces arginine 265 with a stop codon.
Molecular consequence: nonsense. On other transcripts: missense variant (1), 5 prime UTR variant (1).
Genome position (GRCh38, 1-based): chr17:63,480,474, C>T. VCF-style: chr17-63480474-C-T. GRCh37 (hg19) VCF-style: chr17-61557835-C-T.
Other names: c.320C>T, p.Pro107Leu (NM_001382700.1); c.-60C>T (NM_001382701.1); short protein forms P107L, R265*.
Identifiers: ClinVar variation 2573840 (VCV002573840.3), dbSNP rs138873311, ClinGen allele CA8699244.
Genomic context (GRCh38, chr17:63,480,474, plus strand): 5'-CAACAGCTAGAGCCCCTCTACCTGAACCTCCATGCCTTCGTCCGCCGCGCACTGCATCGC[C>T]GATACGGAGACAGATACATCAACCTCAGGGGACCCATCCCTGCTCATCTGCTGGGTAAGG-3'

ClinVar aggregate classification (germline): Pathogenic. Review status: criteria provided, multiple submitters, no conflicts (2 of 4 stars). 3 submissions from 3 submitters: Pathogenic (3). Last evaluated 2024-02-29.

Conditions:
ACE-related disorder. Also called: ACE-related condition; ACE-related disorders.
Renal tubular dysgenesis of genetic origin. Also called: PRIMITIVE RENAL TUBULE SYNDROME. Identifiers: Orphanet 97369, MedGen C5681536, MONDO:0009970, OMIM 267430.
Microvascular complications of diabetes, susceptibility to, 3. Identifiers: MedGen C2675470, MONDO:0012963, OMIM 612624.
Hemorrhage, intracerebral, susceptibility to (ICH). Also called: Stroke, hemorrhagic, susceptibility to. Identifiers: MedGen C3281105, MONDO:0100533, OMIM 614519.

Allele frequency attached by ClinVar (database versions not stated): ExAC 0.00002; TOPMed 0.00002; gnomAD 0.00003; ESP Exome Variant Server 0.00015.

Submissions (3):

Fulgent Genetics
Classification: Pathogenic for Renal tubular dysgenesis of genetic origin; Microvascular complications of diabetes, susceptibility to, 3; Hemorrhage, intracerebral, susceptibility to. Last evaluated: 2024-02-29. Review status: criteria provided, single submitter. Criteria: ACMG Guidelines, 2015. Collection method: clinical testing. Allele origin: germline.

GeneDx
Classification: Pathogenic. Last evaluated: 2023-07-21. Review status: criteria provided, single submitter. Criteria: GeneDx Variant Classification Process June 2021. Collection method: clinical testing. Allele origin: germline. Affected: yes.
Comment: Nonsense variant predicted to result in protein truncation or nonsense mediated decay in a gene for which loss of function is a known mechanism of disease; Not observed at significant frequency in large population cohorts (gnomAD); This variant is associated with the following publications: (PMID: 34426522, 34295353, 22095942, 30071301)

Blueprint Genetics
Classification: Pathogenic for ACE-related disorders. Last evaluated: 2023-06-02. Review status: criteria provided, single submitter. Criteria: ACMG Guidelines, 2015. Collection method: clinical testing. Allele origin: germline. Affected: yes. Observed: 3 variant alleles.